The following is an entry in ClinVar:

NM_014251.3(SLC25A13):c.1681G>A (p.Gly561Arg)

Gene: SLC25A13 (solute carrier family 25 member 13; minus strand). Cytogenetic location: 7q21.3.
Variant type: single nucleotide variant.
Coding change: c.1681G>A on transcript NM_014251.3 (MANE Select); coding-DNA position 1681, G replaced by A.
Protein change: p.Gly561Arg; replaces glycine 561 with arginine.
Molecular consequence: missense variant. On other transcripts: non-coding transcript variant (1).
Genome position (GRCh38, 1-based): chr7:96,121,908, C>T on the plus strand (G>A on the coding strand, the complement: SLC25A13 is on the minus strand). VCF-style: chr7-96121908-C-T. GRCh37 (hg19) VCF-style: chr7-95751220-C-T.
Other names: c.1684G>A, p.Gly562Arg (NM_001160210.2); c.1681G>A (NM_014251.2); short protein forms G561R, G562R.
Identifiers: ClinVar variation 499592 (VCV000499592.7), dbSNP rs142801864, ClinGen allele CA4352819.

ClinVar aggregate classification (germline): Uncertain significance. Review status: criteria provided, multiple submitters, no conflicts (2 of 4 stars). 3 submissions from 3 submitters: Uncertain significance (3). Last evaluated 2024-11-20.

Conditions:
SLC25A13-related disorder. Also called: SLC25A13-related condition.
Citrin deficiency. Identifiers: Orphanet 247582, MedGen C1997910, MONDO:0016602.

Allele frequency attached by ClinVar (database versions not stated): gnomAD exomes 0.00003 and 0.00009; ExAC 0.00011; TOPMed 0.00018; ESP Exome Variant Server 0.00023; gnomAD 0.00025 and 0.00026.
gnomAD v4.1: 81 of 1,614,034 alleles (0.005%); highest among the groups gnomAD compares: African/African-American, 0.063%; no homozygotes.

Submissions (3):

PreventionGenetics, part of Exact Sciences
Classification: Uncertain significance for SLC25A13-related condition. Last evaluated: 2024-11-20. Review status: criteria provided, single submitter. Criteria: ACMG Guidelines, 2015. Collection method: clinical testing. Allele origin: germline.
Comment: The SLC25A13 c.1681G>A variant is predicted to result in the amino acid substitution p.Gly561Arg. To our knowledge, this variant has not been reported in the literature. This variant is reported in 0.088% of alleles in individuals of African descent in gnomAD. Although we suspect that this variant may be benign, at this time, the clinical significance of this variant is uncertain due to the absence of conclusive functional and genetic evidence.

Labcorp Genetics (formerly Invitae), Labcorp
Classification: Uncertain significance for Citrin deficiency. Last evaluated: 2022-02-10. Review status: criteria provided, single submitter. Criteria: Invitae Variant Classification Sherloc (09022015). Collection method: clinical testing. Allele origin: germline.
Comment: This sequence change replaces glycine, which is neutral and non-polar, with arginine, which is basic and polar, at codon 561 of the SLC25A13 protein (p.Gly561Arg). This variant is present in population databases (rs142801864, gnomAD 0.09%). This variant has not been reported in the literature in individuals affected with SLC25A13-related conditions. ClinVar contains an entry for this variant (Variation ID: 499592). Algorithms developed to predict the effect of missense changes on protein structure and function (SIFT, PolyPhen-2, Align-GVGD) all suggest that this variant is likely to be disruptive. In summary, the available evidence is currently insufficient to determine the role of this variant in disease. Therefore, it has been classified as a Variant of Uncertain Significance.

Eurofins Ntd Llc (ga)
Classification: Uncertain significance. Last evaluated: 2016-12-29. Review status: criteria provided, single submitter. Criteria: EGL Classification Definitions 2015. Collection method: clinical testing. Allele origin: germline. Observed: 1 variant allele, 1 heterozygote.